The following is an entry in ClinVar:

ClinVar aggregate classification (germline): Uncertain significance (1 of 4 stars; one submission).

Conditions:
Fanconi anemia (FA). Also called: Fanconi's anemia. Identifiers: Orphanet 84, MedGen C0015625, MeSH D005199, MONDO:0019391.

gnomAD v4.1: 1 of 1,614,028 alleles (0.000062%); highest among the groups gnomAD compares: Admixed American, 0.0017%; no homozygotes.

Submission:

Labcorp Genetics (formerly Invitae), Labcorp
Classification: Uncertain significance for Fanconi anemia. Last evaluated: 2024-02-09. Review status: criteria provided, single submitter. Criteria: Invitae Variant Classification Sherloc (09022015). Collection method: clinical testing. Allele origin: germline.
Comment: This sequence change replaces threonine, which is neutral and polar, with isoleucine, which is neutral and non-polar, at codon 1807 of the FANCM protein (p.Thr1807Ile). This variant is not present in population databases (gnomAD no frequency). This variant has not been reported in the literature in individuals affected with FANCM-related conditions. An algorithm developed to predict the effect of missense changes on protein structure and function (PolyPhen-2) suggests that this variant is likely to be tolerated. In summary, the available evidence is currently insufficient to determine the role of this variant in disease. Therefore, it has been classified as a Variant of Uncertain Significance.

NM_020937.4(FANCM):c.5420C>T (p.Thr1807Ile)

Gene: FANCM (FA complementation group M; plus strand). Cytogenetic location: 14q21.2.
Variant type: single nucleotide variant.
Coding change: c.5420C>T on transcript NM_020937.4 (MANE Select); coding-DNA position 5420, C replaced by T.
Protein change: p.Thr1807Ile; replaces threonine 1807 with isoleucine.
Molecular consequence: missense variant.
Genome position (GRCh38, 1-based): chr14:45,196,251, C>T. VCF-style: chr14-45196251-C-T. GRCh37 (hg19) VCF-style: chr14-45665454-C-T.
Other names: c.5342C>T, p.Thr1781Ile (NM_001308133.2); short protein forms T1781I, T1807I.
Identifiers: ClinVar variation 3715128 (VCV003715128.2).
Genomic context (GRCh38, chr14:45,196,251, plus strand): 5'-ATTCTAGCACTTCAGGGGCATCCTGTTCCAAGTCAAGACCACATTTAGCTGGGACACATA[C>T]TTCTCTTAGACTTCCGCAGGAAGGAAAAGGAACCTGTATTCTTGTAGGTGGTCATGAAAT-3'
Protein context (NP_065988.1, residues 1797-1817): KSRPHLAGTH[Thr1807Ile]SLRLPQEGKG